The following is an entry in ClinVar:

ClinVar aggregate classification (germline): Likely benign. Review status: criteria provided, multiple submitters, no conflicts (2 of 4 stars). 2 submissions from 2 submitters: Likely benign (2). Last evaluated 2025-02-06.

Conditions:
Joubert syndrome. Also called: JOUBERT-BOLTSHAUSER SYNDROME; Familial aplasia of the vermis. Identifiers: Orphanet 475, MedGen C5979921, MONDO:0018772.
Meckel-Gruber syndrome. Also called: DYSENCEPHALIA SPLANCHNOCYSTICA; GRUBER SYNDROME; Dysencephalia splachnocystica. Identifiers: Orphanet 564, MedGen C0265215, MONDO:0018921.

Allele frequency attached by ClinVar (database versions not stated): gnomAD exomes below 0.00001; ExAC 0.00001; gnomAD 0.00001.

Submissions (2):

Mayo Clinic Laboratories, Mayo Clinic
Classification: Likely benign. Last evaluated: 2025-02-06. Review status: criteria provided, single submitter. Criteria: ACMG Guidelines, 2015. Collection method: clinical testing. Allele origin: germline. Observed: 1 variant allele.
Comment: BP4, BP7

Labcorp Genetics (formerly Invitae), Labcorp
Classification: Likely benign for Joubert syndrome; Meckel-Gruber syndrome. Last evaluated: 2023-11-20. Review status: criteria provided, single submitter. Criteria: Invitae Variant Classification Sherloc (09022015). Collection method: clinical testing. Allele origin: germline.

NM_001378615.1(CC2D2A):c.507T>C (p.His169=)

Genes: CC2D2A (coiled-coil and C2 domain containing 2A; plus strand), FBXL5 (F-box and leucine rich repeat protein 5; minus strand). Cytogenetic location: 4p15.32.
Variant type: single nucleotide variant.
Coding change: c.507T>C on transcript NM_001378615.1 (MANE Select); coding-DNA position 507, T replaced by C.
Protein change: p.His169=; no amino-acid change (histidine 169 retained).
Molecular consequence: synonymous variant.
Genome position (GRCh38, 1-based): chr4:15,510,207, T>C. VCF-style: chr4-15510207-T-C. GRCh37 (hg19) VCF-style: chr4-15511830-T-C.
Other names: p.His169=; c.507T>C, p.His169= (NM_001080522.2); c.360T>C, p.His120= (NM_001378617.1).
Identifiers: ClinVar variation 2923797 (VCV002923797.4), dbSNP rs770874942, ClinGen allele CA2863421.